The following is an entry in ClinVar:

NM_000059.4(BRCA2):c.3316A>G (p.Ser1106Gly)

Gene: BRCA2 (BRCA2 DNA repair associated; plus strand). Cytogenetic location: 13q13.1.
Variant type: single nucleotide variant.
Coding change: c.3316A>G on transcript NM_000059.4 (MANE Select); coding-DNA position 3316, A replaced by G.
Protein change: p.Ser1106Gly; replaces serine 1106 with glycine.
Molecular consequence: missense variant.
Genome position (GRCh38, 1-based): chr13:32,337,671, A>G. VCF-style: chr13-32337671-A-G. GRCh37 (hg19) VCF-style: chr13-32911808-A-G.
Other names: c.3316A>G, p.Ser1106Gly (NM_001406719.1, NM_001406720.1); short protein forms S1106G.
Identifiers: ClinVar variation 2092884 (VCV002092884.6), dbSNP rs2137495384, ClinGen allele CA387776219.

ClinVar aggregate classification (germline): Conflicting classifications of pathogenicity. Review status: criteria provided, conflicting classifications (1 of 4 stars). 2 submissions from 2 submitters: Uncertain significance (1); Likely benign (1). Last evaluated 2023-03-23.

Conditions:
Hereditary cancer-predisposing syndrome. Also called: Tumor predisposition; Hereditary Cancer Syndrome; Hereditary neoplastic syndrome; Neoplastic Syndromes, Hereditary. Identifiers: Orphanet 140162, MedGen C0027672, MeSH D009386, MONDO:0015356.
Hereditary breast ovarian cancer syndrome. Also called: Hereditary breast and ovarian cancer syndrome; Breast and ovarian cancer; BRCA1- and BRCA2-Associated Hereditary Breast and Ovarian Cancer; Hereditary breast and ovarian cancer syndrome (HBOC); Hereditary breast and ovarian cancer; Hereditary breast and/or ovarian cancer syndrome. Identifiers: Orphanet 145, MedGen C0677776, MeSH D061325, MONDO:0003582. Disease mechanism: loss of function.

Submissions (2):

University of Washington Department of Laboratory Medicine, University of Washington
Classification: Likely benign for Hereditary cancer-predisposing syndrome. Last evaluated: 2023-03-23. Review status: criteria provided, single submitter. Criteria: Dines et al. (Genet Med. 2020). Collection method: curation. Allele origin: germline.
Comment: Missense variant in a coldspot region where missense variants are very unlikely to be pathogenic (PMID:31911673).

BRCA2 exon 11 coldspot. Reclassification based on statistical prior probability.

Labcorp Genetics (formerly Invitae), Labcorp
Classification: Uncertain significance for Hereditary breast ovarian cancer syndrome. Last evaluated: 2022-02-04. Review status: criteria provided, single submitter. Criteria: Invitae Variant Classification Sherloc (09022015). Collection method: clinical testing. Allele origin: germline.
Comment: In summary, the available evidence is currently insufficient to determine the role of this variant in disease. Therefore, it has been classified as a Variant of Uncertain Significance. Advanced modeling of protein sequence and biophysical properties (such as structural, functional, and spatial information, amino acid conservation, physicochemical variation, residue mobility, and thermodynamic stability) performed at Invitae indicates that this missense variant is not expected to disrupt BRCA2 protein function. This variant has not been reported in the literature in individuals affected with BRCA2-related conditions. This variant is not present in population databases (gnomAD no frequency). This sequence change replaces serine, which is neutral and polar, with glycine, which is neutral and non-polar, at codon 1106 of the BRCA2 protein (p.Ser1106Gly).